The following is an entry in ClinVar:

ClinVar aggregate classification (germline): Uncertain significance. Review status: criteria provided, multiple submitters, no conflicts (2 of 4 stars). 3 submissions from 3 submitters: Uncertain significance (2). 1 of the submissions does not count toward it. Last evaluated 2025-05-12.

Conditions:
SEMA3E-related disorder. Also called: SEMA3E-related condition.
CHARGE syndrome (CHARGE). Also called: Hittner Hirsch Kreh syndrome; CHARGE ASSOCIATION--COLOBOMA, HEART ANOMALY, CHOANAL ATRESIA, RETARDATION, GENITAL AND EAR ANOMALIES; Coloboma, heart anomaly, choanal atresia, retardation, genital and ear anomalies; CHARGE association; Hall-Hittner syndrome. Identifiers: Orphanet 138, MedGen C0265354, MONDO:0008965.
Hypogonadotropic hypogonadism 7 with or without anosmia (HH7). Also called: GNRHR-Related GnRH Deficiency; HYPOGONADOTROPIC HYPOGONADISM 7 WITHOUT ANOSMIA. Identifiers: Orphanet 432, MedGen C0342384, MONDO:0007794, OMIM 146110.

Allele frequency attached by ClinVar (database versions not stated): TOPMed 0.00003; gnomAD 0.00004 and 0.00005; ExAC 0.00008; gnomAD exomes 0.00010; 1000 Genomes Project 30x 0.00016; 1000 Genomes Project 0.00020.
gnomAD v4.1: 109 of 1,612,736 alleles (0.0068%); highest among the groups gnomAD compares: East Asian, 0.14%; no homozygotes.

Submissions (3):

Labcorp Genetics (formerly Invitae), Labcorp
Classification: Uncertain significance for CHARGE syndrome. Last evaluated: 2025-05-12. Review status: criteria provided, single submitter. Criteria: Invitae Variant Classification Sherloc (09022015). Collection method: clinical testing. Allele origin: germline.
Comment: This sequence change replaces arginine, which is basic and polar, with tryptophan, which is neutral and slightly polar, at codon 350 of the SEMA3E protein (p.Arg350Trp). This variant is present in population databases (rs546414937, gnomAD 0.1%), and has an allele count higher than expected for a pathogenic variant. This variant has not been reported in the literature in individuals affected with SEMA3E-related conditions. ClinVar contains an entry for this variant (Variation ID: 834958). Invitae Evidence Modeling of protein sequence and biophysical properties (such as structural, functional, and spatial information, amino acid conservation, physicochemical variation, residue mobility, and thermodynamic stability) indicates that this missense variant is not expected to disrupt SEMA3E protein function with a negative predictive value of 80%. In summary, the available evidence is currently insufficient to determine the role of this variant in disease. Therefore, it has been classified as a Variant of Uncertain Significance.

Fulgent Genetics
Classification: Uncertain significance for Hypogonadotropic hypogonadism 7 with or without anosmia; CHD7-related CHARGE syndrome. Last evaluated: 2022-02-10. Review status: criteria provided, single submitter. Criteria: ACMG Guidelines, 2015. Collection method: clinical testing. Allele origin: unknown.

PreventionGenetics, part of Exact Sciences
Classification: Likely benign for SEMA3E-related condition. Last evaluated: 2022-10-13. Review status: no assertion criteria provided. Collection method: clinical testing. Allele origin: germline. Not counted in ClinVar's aggregate classification.
Comment: This variant is classified as likely benign based on ACMG/AMP sequence variant interpretation guidelines (Richards et al. 2015 PMID: 25741868, with internal and published modifications).

NM_012431.3(SEMA3E):c.1048C>T (p.Arg350Trp)

Gene: SEMA3E (semaphorin 3E; minus strand). Cytogenetic location: 7q21.11.
Variant type: single nucleotide variant.
Coding change: c.1048C>T on transcript NM_012431.3 (MANE Select); coding-DNA position 1048, C replaced by T.
Protein change: p.Arg350Trp; replaces arginine 350 with tryptophan.
Molecular consequence: missense variant.
Genome position (GRCh38, 1-based): chr7:83,402,727, G>A on the plus strand (C>T on the coding strand, the complement: SEMA3E is on the minus strand). VCF-style: chr7-83402727-G-A. GRCh37 (hg19) VCF-style: chr7-83032043-G-A.
Other names: c.868C>T, p.Arg290Trp (NM_001178129.2); short protein forms R290W, R350W.
Identifiers: ClinVar variation 834958 (VCV000834958.12), dbSNP rs546414937, ClinGen allele CA4322120.
Genomic context (GRCh38, chr7:83,402,727, plus strand): 5'-AGACTGACCAGTGGTATTCAGGTCCTTCCTTATGTGCATATGGTCCGTTGAAGGCTGCCC[G>A]AATGCTAGACATGTGATAGACACATATAGCATGCCCTCGAAAAATATTACTGAAAAATAC-3'
Protein context (NP_036563.1, residues 340-360): AICVYHMSSI[Arg350Trp]AAFNGPYAHK